The following is an entry in ClinVar:

ClinVar aggregate classification (germline): Likely benign. Review status: criteria provided, multiple submitters, no conflicts (2 of 4 stars). 3 submissions from 3 submitters: Likely benign (2). 1 of the submissions does not count toward it. Last evaluated 2025-10-23.

Conditions:
KMT2D-related disorder. Also called: KMT2D-Related Disorders.
Kabuki syndrome. Also called: Kabuki make-up syndrome; NIIKAWA-KUROKI SYNDROME. Identifiers: Orphanet 2322, MedGen C0796004, MONDO:0016512.

Allele frequency attached by ClinVar (database versions not stated): ExAC 0.00002; gnomAD exomes 0.00002 and 0.00003; TOPMed 0.00002; gnomAD 0.00003; ESP Exome Variant Server 0.00008.

Submissions (3):

Labcorp Genetics (formerly Invitae), Labcorp
Classification: Likely benign for Kabuki syndrome. Last evaluated: 2025-10-23. Review status: criteria provided, single submitter. Criteria: Invitae Variant Classification Sherloc (09022015). Collection method: clinical testing. Allele origin: germline.

Blueprint Genetics
Classification: Likely benign. Last evaluated: 2024-11-25. Review status: criteria provided, single submitter. Criteria: ACMG Guidelines, 2015. Collection method: clinical testing. Allele origin: germline.

PreventionGenetics, part of Exact Sciences
Classification: Likely benign for KMT2D-related condition. Last evaluated: 2024-03-04. Review status: no assertion criteria provided. Collection method: clinical testing. Allele origin: germline. Not counted in ClinVar's aggregate classification.
Comment: This variant is classified as likely benign based on ACMG/AMP sequence variant interpretation guidelines (Richards et al. 2015 PMID: 25741868, with internal and published modifications).

NM_003482.4(KMT2D):c.3597C>T (p.Leu1199=)

Genes: KMT2D (lysine methyltransferase 2D; minus strand), LOC126861520 (CDK7 strongly-dependent group 2 enhancer GRCh37_chr12:49442744-49443943; plus strand). Cytogenetic location: 12q13.12.
Variant type: single nucleotide variant.
Coding change: c.3597C>T on transcript NM_003482.4 (MANE Select); coding-DNA position 3597, C replaced by T.
Protein change: p.Leu1199=; no amino-acid change (leucine 1199 retained).
Molecular consequence: synonymous variant.
Genome position (GRCh38, 1-based): chr12:49,049,991, G>A on the plus strand (C>T on the coding strand, the complement: KMT2D is on the minus strand). VCF-style: chr12-49049991-G-A. GRCh37 (hg19) VCF-style: chr12-49443774-G-A.
Other names: c.3597C>T (NM_003482.3).
Identifiers: ClinVar variation 1613314 (VCV001613314.10), dbSNP rs371423189, ClinGen allele CA6548026.